The following is an entry in ClinVar:

NM_001130965.3(SUN1):c.1955C>T (p.Ser652Leu)

Gene: SUN1 (Sad1 and UNC84 domain containing 1; plus strand). Cytogenetic location: 7p22.3.
Variant type: single nucleotide variant.
Coding change: c.1955C>T on transcript NM_001130965.3 (MANE Select); coding-DNA position 1955, C replaced by T.
Protein change: p.Ser652Leu; replaces serine 652 with leucine.
Molecular consequence: missense variant. On other transcripts: non-coding transcript variant (3).
Genome position (GRCh38, 1-based): chr7:866,042, C>T. VCF-style: chr7-866042-C-T. GRCh37 (hg19) VCF-style: chr7-905679-C-T.
Other names: c.1646C>T, p.Ser549Leu (NM_001171944.2); c.1955C>T, p.Ser652Leu (NM_001367633.1, NM_001367634.1, NM_001367653.1); c.1604C>T, p.Ser535Leu (NM_001367635.1); c.2195C>T, p.Ser732Leu (NM_001367636.1, NM_001367691.1); c.2063C>T, p.Ser688Leu (NM_001367638.1); c.1496C>T, p.Ser499Leu (NM_001367639.1); c.2135C>T, p.Ser712Leu (NM_001367640.1); c.2237C>T, p.Ser746Leu (NM_001367641.1, NM_001367682.1); and 43 more; short protein forms S414L, S591L, S596L, S601L, S619L, S638L, S639L, S678L.
Identifiers: ClinVar variation 952855 (VCV000952855.10), dbSNP rs747017149, ClinGen allele CA4112436.

ClinVar aggregate classification (germline): Uncertain significance. Review status: criteria provided, multiple submitters, no conflicts (2 of 4 stars). 2 submissions from 2 submitters: Uncertain significance (2). Last evaluated 2024-11-04.

Conditions:
Emery-Dreifuss muscular dystrophy (EDMD). Also called: Scapuloperoneal syndrome, X-linked (formerly); Humeroperoneal neuromuscular disease, (formerly). Identifiers: Orphanet 261, MedGen C0410189, MONDO:0016830.

Allele frequency attached by ClinVar (database versions not stated): gnomAD 0.00001; gnomAD exomes 0.00002; ExAC 0.00003; TOPMed 0.00003.
gnomAD v4.1: 33 of 1,613,974 alleles (0.002%); highest among the groups gnomAD compares: Middle Eastern, 0.016%; no homozygotes.

Submissions (2):

Labcorp Genetics (formerly Invitae), Labcorp
Classification: Uncertain significance for Emery-Dreifuss muscular dystrophy. Last evaluated: 2024-11-04. Review status: criteria provided, single submitter. Criteria: Invitae Variant Classification Sherloc (09022015). Collection method: clinical testing. Allele origin: germline.
Comment: This sequence change replaces serine, which is neutral and polar, with leucine, which is neutral and non-polar, at codon 652 of the SUN1 protein (p.Ser652Leu). This variant is present in population databases (rs747017149, gnomAD 0.02%). This variant has not been reported in the literature in individuals affected with SUN1-related conditions. ClinVar contains an entry for this variant (Variation ID: 952855). An algorithm developed to predict the effect of missense changes on protein structure and function (PolyPhen-2) suggests that this variant is likely to be disruptive. In summary, the available evidence is currently insufficient to determine the role of this variant in disease. Therefore, it has been classified as a Variant of Uncertain Significance.

Ambry Genetics
Classification: Uncertain significance. Last evaluated: 2021-08-02. Review status: criteria provided, single submitter. Criteria: Ambry Variant Classification Scheme 2023. Collection method: clinical testing. Allele origin: germline.